The following is an entry in ClinVar:

ClinVar aggregate classification (germline): Conflicting classifications of pathogenicity. Review status: criteria provided, conflicting classifications (1 of 4 stars). 7 submissions from 7 submitters: Pathogenic (1); Uncertain significance (5). 1 of the submissions does not count toward it. Last evaluated 2023-12-01.

Conditions:
Cardiovascular phenotype. Identifiers: MedGen CN230736.
Cardiac arrhythmia. Also called: Arrhythmia; Cardiac rhythm disease. Identifiers: MedGen C0003811, MONDO:0007263, HP:0011675.
Familial long QT syndrome (RWS). Also called: Congenital long QT syndrome; Romano-Ward syndrome; VENTRICULAR FIBRILLATION WITH PROLONGED QT INTERVAL. Identifiers: Orphanet 768, MedGen C1141890, MONDO:0019171.
Long QT syndrome (LQTS). Identifiers: MedGen C0023976, MeSH D008133, MONDO:0002442. Disease mechanism: loss of function. Inheritance: Various modes of inheritance.
Long QT syndrome 1 (LQT1). Identifiers: Orphanet 101016, Orphanet 768, MedGen C4551647, MONDO:0100316, OMIM 192500, MONDO:0008646.

Allele frequency attached by ClinVar (database versions not stated): gnomAD 0.00001; TOPMed 0.00001.
gnomAD v4.1: 8 of 1,559,906 alleles (0.00051%); highest among the groups gnomAD compares: South Asian, 0.0024%; no homozygotes.

Submissions (7):

All of Us Research Program, National Institutes of Health
Classification: Uncertain significance for Long QT syndrome. Last evaluated: 2023-12-01. Review status: criteria provided, single submitter. Criteria: ACMG Guidelines, 2015. Collection method: clinical testing. Allele origin: germline. Inheritance: Autosomal dominant inheritance. Observed: 2 variant alleles, 2 heterozygotes.
Comment: This missense variant replaces arginine with tryptophan at codon 533 of the KCNQ1 protein. Computational prediction suggests that this variant may have deleterious impact on protein structure and function (internally defined REVEL score threshold >= 0.7, PMID: 27666373). Splice site prediction tools suggest that this variant may not impact RNA splicing. A functional study has shown that this variant has a minor effect on the potassium channel activation (PMID: 10728423). This variant has been reported in three unrelated individuals referred for long QT syndrome genetic test (PMID: 19716085, 20851114). This variant has also been reported in a few individuals affected with recessive long QT syndrome (PMID: 10728423, 27041150, 27485560). Heterozygous family members of these patients have been reported to be asymptomatic. This variant has not been identified in the general population by the Genome Aggregation Database (gnomAD). Although studies suggest that this variant may be associated with autosomal recessive phenotype, the available evidence is insufficient to determine the role of this variant in autosomal dominant long QT syndrome. Therefore, this variant is classified as a Variant of Uncertain Significance.

This study involves interpretation of variants in research participants for the purpose of population health screening. Participant phenotype was not available at the time of variant classification. Additional details can be found in publication PMID: 35346344, PMCID: PMC8962531

Ambry Genetics
Classification: Uncertain significance for Cardiovascular phenotype. Last evaluated: 2023-02-14. Review status: criteria provided, single submitter. Criteria: Ambry General Variant Classification Scheme_2022. Collection method: clinical testing. Allele origin: germline.
Comment: The p.R533W variant (also known as c.1597C>T), located in coding exon 13 of the KCNQ1 gene, results from a C to T substitution at nucleotide position 1597. The arginine at codon 533 is replaced by tryptophan, an amino acid with dissimilar properties. This alteration has been reported as homozygous in individuals with syncope, who had a normal QTc interval and hearing evaluation, and compound heterozygous with an additional alteration in KCNQ1 in an individual with a QTc interval of 491ms (Chouabe C et al. Cardiovasc Res, 2000 Mar;45:971-80; Vyas B et al. Indian Pacing Electrophysiol J, 2016 Mar;16:8-18). Additionally, this alteration was detected in long QT syndrome cohorts; however, clinical details were limited (Kapplinger JD et al. Heart Rhythm, 2009 Sep;6:1297-303; Millat G et al. Clin Chim Acta, 2011 Jan;412:203-7). Lastly, in vitro studies showed this alteration may not impact protein function (Chouabe C et al. Cardiovasc Res, 2000 Mar;45:971-80). This amino acid position is highly conserved in available vertebrate species. In addition, this alteration is predicted to be deleterious by in silico analysis. Since supporting evidence is limited at this time, the clinical significance of this alteration remains unclear.

Color Diagnostics, LLC DBA Color Health
Classification: Uncertain significance for Cardiac arrhythmia. Last evaluated: 2022-11-16. Review status: criteria provided, single submitter. Criteria: ACMG Guidelines, 2015. Collection method: clinical testing. Allele origin: germline.
Comment: This missense variant replaces arginine with tryptophan at codon 533 of the KCNQ1 protein. Computational prediction suggests that this variant may have deleterious impact on protein structure and function (internally defined REVEL score threshold >= 0.7, PMID: 27666373). Functional studies have shown that this variant causes a positive shift in the voltage dependence of activation (PMID: 10728423) and a large reduction in channel peak current density (PMID: 34930020). This variant has been reported in three unrelated individuals referred for long QT syndrome genetic test (PMID: 19716085, 20851114), as well as in an individual with no indication for cardiac genetic screening (PMID: 34930020). This variant has also been reported in a few individuals affected with recessive long QT syndrome (PMID: 10728423, 27041150, 27485560). Heterozygous relatives in their families have been reported to be asymptomatic. This variant has not been identified in the general population by the Genome Aggregation Database (gnomAD). The available evidence is insufficient to determine the role of this variant in disease conclusively. Therefore, this variant is classified as a Variant of Uncertain Significance.

Labcorp Genetics (formerly Invitae), Labcorp
Classification: Uncertain significance for Long QT syndrome. Last evaluated: 2022-03-15. Review status: criteria provided, single submitter. Criteria: Invitae Variant Classification Sherloc (09022015). Collection method: clinical testing. Allele origin: germline.
Comment: This sequence change replaces arginine, which is basic and polar, with tryptophan, which is neutral and slightly polar, at codon 533 of the KCNQ1 protein (p.Arg533Trp). This variant is not present in population databases (gnomAD no frequency). This missense change has been observed in individual(s) with autosomal recessive Jervell and Lange-Nielsen syndrome (JLNS) (PMID: 10728423, 19716085, 20851114, 27041150). ClinVar contains an entry for this variant (Variation ID: 67041). Algorithms developed to predict the effect of missense changes on protein structure and function are either unavailable or do not agree on the potential impact of this missense change (SIFT: "Deleterious"; PolyPhen-2: "Probably Damaging"; Align-GVGD: "Class C0"). Experimental studies have shown that this missense change does not substantially affect KCNQ1 function (PMID: 10728423, 24190995). In summary, the available evidence is currently insufficient to determine the role of this variant in disease. Therefore, it has been classified as a Variant of Uncertain Significance.

AiLife Diagnostics
Classification: Uncertain significance. Last evaluated: 2022-01-25. Review status: criteria provided, single submitter. Criteria: ACMG Guidelines, 2015. Collection method: clinical testing. Allele origin: germline. Affected: yes. Observed: 1 variant allele.

Institute of Medical Genetics and Genomics, Sir Ganga Ram Hospital
Classification: Pathogenic for Long QT syndrome, LQT1 subtype. Last evaluated: 2014-01-01. Review status: criteria provided, single submitter. Criteria: Vyas et al. (Am J Med Genet A. 2016). Collection method: research. Allele origin: germline. Affected: yes. Observed: 1 variant allele. Study: Life Threatening Long QT Syndromes.

Cardiovascular Biomedical Research Unit, Royal Brompton & Harefield NHS Foundation Trust
No classification provided. Condition: Familial long QT syndrome. Review status: no classification provided. Collection method: literature only. Allele origin: germline. Not counted in ClinVar's aggregate classification.
Comment: This variant has been reported as associated with Long QT syndrome in the following publications (PMID:10728423;PMID:19716085). This is a literature report, and does not necessarily reflect the clinical interpretation of the Imperial College / Royal Brompton Cardiovascular Genetics laboratory.

Literature cited by the submitters: PubMed 10728423 (cited by 6 submitters); PubMed 19716085 (cited by 5 submitters); PubMed 20851114 (cited by 4 submitters); PubMed 27041150 (cited by 3 submitters); PubMed 27485560 (cited by 3 submitters); PubMed 29033053 (cited by Ambry Genetics); PubMed 34930020 (cited by Color Diagnostics, LLC DBA Color Health); PubMed 24190995 (cited by Labcorp Genetics (formerly Invitae), Labcorp); PubMed 22581653 (cited by Cardiovascular Biomedical Research Unit, Royal Brompton & Harefield NHS Foundation Trust).

NM_000218.3(KCNQ1):c.1597C>T (p.Arg533Trp)

Gene: KCNQ1 (potassium voltage-gated channel subfamily Q member 1; plus strand). Cytogenetic location: 11p15.5.
Variant type: single nucleotide variant.
Coding change: c.1597C>T on transcript NM_000218.3 (MANE Select); coding-DNA position 1597, C replaced by T.
Protein change: p.Arg533Trp; replaces arginine 533 with tryptophan.
Molecular consequence: missense variant.
Genome position (GRCh38, 1-based): chr11:2,775,966, C>T. VCF-style: chr11-2775966-C-T. GRCh37 (hg19) VCF-style: chr11-2797196-C-T.
Other names: c.1597C>T (LRG_287t1); c.1501C>T, p.Arg501Trp (NM_001406836.1); c.1327C>T, p.Arg443Trp (NM_001406837.1); c.1057C>T, p.Arg353Trp (NM_001406838.1); c.1216C>T, p.Arg406Trp (NM_181798.2); short protein forms R533W, R406W, R353W, R443W, R501W.
Identifiers: ClinVar variation 67041 (VCV000067041.19), dbSNP rs199472793, ClinGen allele CA005979.